The following is an entry in ClinVar:

ClinVar aggregate classification (germline): Conflicting classifications of pathogenicity. Review status: criteria provided, conflicting classifications (1 of 4 stars). 6 submissions from 6 submitters: Uncertain significance (3); Likely benign (1). 2 of the submissions do not count toward it. Last evaluated 2026-01-27.

Conditions:
DTNA-related disorder. Also called: DTNA-related condition.
Left ventricular noncompaction 1 (LVNC1). Also called: LEFT VENTRICULAR NONCOMPACTION 1 WITH OR WITHOUT CONGENITAL HEART DEFECTS. Identifiers: Orphanet 54260, MedGen C1858725, MONDO:0011403, OMIM 604169.

Allele frequency attached by ClinVar (database versions not stated): TOPMed 0.00007; ESP Exome Variant Server 0.00008; ExAC 0.00009; gnomAD 0.00009 and 0.00010; gnomAD exomes 0.00010 and 0.00012.
gnomAD v4.1: 189 of 1,613,406 alleles (0.012%); highest among the groups gnomAD compares: Admixed American, 0.017%; 1 homozygote.

Submissions (6):

Labcorp Genetics (formerly Invitae), Labcorp
Classification: Uncertain significance for Left ventricular noncompaction 1. Last evaluated: 2026-01-27. Review status: criteria provided, single submitter. Criteria: Invitae Variant Classification Sherloc (09022015). Collection method: clinical testing. Allele origin: germline.
Comment: This sequence change replaces threonine, which is neutral and polar, with methionine, which is neutral and non-polar, at codon 205 of the DTNA protein (p.Thr205Met). This variant is present in population databases (rs201071018, gnomAD 0.02%). This variant has not been reported in the literature in individuals affected with DTNA-related conditions. ClinVar contains an entry for this variant (Variation ID: 201765). Invitae Evidence Modeling of protein sequence and biophysical properties (such as structural, functional, and spatial information, amino acid conservation, physicochemical variation, residue mobility, and thermodynamic stability) indicates that this missense variant is not expected to disrupt DTNA protein function with a negative predictive value of 80%. In summary, the available evidence is currently insufficient to determine the role of this variant in disease. Therefore, it has been classified as a Variant of Uncertain Significance.

PreventionGenetics, part of Exact Sciences
Classification: Uncertain significance for DTNA-related condition. Last evaluated: 2025-11-06. Review status: criteria provided, single submitter. Criteria: ACMG Guidelines, 2015. Collection method: clinical testing. Allele origin: germline.
Comment: The DTNA c.614C>T variant is predicted to result in the amino acid substitution p.Thr205Met. To our knowledge, this variant has not been reported in the literature. This variant is reported in 0.020% of alleles in individuals of African descent in gnomAD. At this time, the clinical significance of this variant is uncertain due to the absence of conclusive functional and genetic evidence.

Blueprint Genetics
Classification: Likely benign. Last evaluated: 2024-01-04. Review status: criteria provided, single submitter. Criteria: ACMG Guidelines, 2015. Collection method: clinical testing. Allele origin: germline.

GeneDx
Classification: Uncertain significance. Last evaluated: 2023-12-29. Review status: criteria provided, single submitter. Criteria: GeneDx Variant Classification Process June 2021. Collection method: clinical testing. Allele origin: germline. Affected: yes.
Comment: Has not been previously published as pathogenic or benign to our knowledge; In silico analysis supports that this missense variant does not alter protein structure/function; Variants in candidate genes are classified as variants of uncertain significance in accordance with ACMG guidelines (PMID: 18414213); This variant is associated with the following publications: (PMID: 18414213)

Diagnostic Laboratory, Department of Genetics, University Medical Center Groningen
Classification: Uncertain significance. Review status: no assertion criteria provided. Collection method: clinical testing. Allele origin: germline. Affected: yes. Study: VKGL Data-share Consensus. Not counted in ClinVar's aggregate classification.

Genome Diagnostics Laboratory, University Medical Center Utrecht
Classification: Uncertain significance. Review status: no assertion criteria provided. Collection method: clinical testing. Allele origin: germline. Affected: yes. Study: VKGL Data-share Consensus. Not counted in ClinVar's aggregate classification.

NM_001386795.1(DTNA):c.614C>T (p.Thr205Met)

Gene: DTNA (dystrobrevin alpha; plus strand). Cytogenetic location: 18q12.1.
Variant type: single nucleotide variant.
Coding change: c.614C>T on transcript NM_001386795.1 (MANE Select); coding-DNA position 614, C replaced by T.
Protein change: p.Thr205Met; replaces threonine 205 with methionine.
Molecular consequence: missense variant. On other transcripts: intron variant (1).
Genome position (GRCh38, 1-based): chr18:34,815,919, C>T. VCF-style: chr18-34815919-C-T. GRCh37 (hg19) VCF-style: chr18-32395883-C-T.
Other names: p.T205M:ACG>ATG; c.614C>T, p.Thr205Met (NM_001128175.2, NM_001198938.2, NM_001198939.2 and 34 more transcripts); c.603+3806C>T (NM_001198945.2); short protein forms T205M.
Identifiers: ClinVar variation 201765 (VCV000201765.18), dbSNP rs201071018, ClinGen allele CA335125.
Genomic context (GRCh38, chr18:34,815,919, plus strand): 5'-AAATTGAGATGATTCTCTGTCCTAAATTTATGGGGGGTTTTTTTATGCAGAAAAAAGTCA[C>T]GTTAAATGGTTTCTTGGACACGCTTATGTCAGATCCTCCCCCGCAGTGTCTGGTCTGGTT-3'
Protein context (NP_001373724.1, residues 195-215): RSCFSQQKKV[Thr205Met]LNGFLDTLMS